The following is an entry in ClinVar:

ClinVar aggregate classification (germline): Conflicting classifications of pathogenicity. Review status: criteria provided, conflicting classifications (1 of 4 stars). 3 submissions from 3 submitters: Uncertain significance (2); Likely benign (1). Last evaluated 2025-02-27.

Conditions:
Congenital muscular dystrophy due to integrin alpha-7 deficiency. Also called: MYOPATHY, CONGENITAL, DUE TO INTEGRIN ALPHA-7 DEFICIENCY; Congenital muscular dystrophy with integrin alpha-7 deficiency; Muscular dystrophy, congenital, due to ITGA7 deficiency. Identifiers: Orphanet 34520, MedGen C2750786, MONDO:0013177, OMIM 613204.

Allele frequency attached by ClinVar (database versions not stated): gnomAD exomes 0.00002; gnomAD 0.00001 and 0.00002; TOPMed 0.00002; ExAC 0.00002.
gnomAD v4.1: 30 of 1,614,072 alleles (0.0019%); highest among the groups gnomAD compares: Middle Eastern, 0.082%; no homozygotes.

Submissions (3):

Ambry Genetics
Classification: Likely benign. Last evaluated: 2025-02-27. Review status: criteria provided, single submitter. Criteria: Ambry Variant Classification Scheme 2023. Collection method: clinical testing. Allele origin: germline.

Labcorp Genetics (formerly Invitae), Labcorp
Classification: Uncertain significance for Congenital muscular dystrophy due to integrin alpha-7 deficiency. Last evaluated: 2024-02-05. Review status: criteria provided, single submitter. Criteria: Invitae Variant Classification Sherloc (09022015). Collection method: clinical testing. Allele origin: germline.
Comment: This sequence change replaces alanine, which is neutral and non-polar, with threonine, which is neutral and polar, at codon 423 of the ITGA7 protein (p.Ala423Thr). This variant is present in population databases (rs779666592, gnomAD 0.008%). This variant has not been reported in the literature in individuals affected with ITGA7-related conditions. ClinVar contains an entry for this variant (Variation ID: 538004). Advanced modeling of protein sequence and biophysical properties (such as structural, functional, and spatial information, amino acid conservation, physicochemical variation, residue mobility, and thermodynamic stability) performed at Invitae indicates that this missense variant is not expected to disrupt ITGA7 protein function with a negative predictive value of 80%. In summary, the available evidence is currently insufficient to determine the role of this variant in disease. Therefore, it has been classified as a Variant of Uncertain Significance.

Revvity Omics, Revvity
Classification: Uncertain significance for Congenital muscular dystrophy due to integrin alpha-7 deficiency. Last evaluated: 2023-03-07. Review status: criteria provided, single submitter. Criteria: ACMG Guidelines, 2015. Collection method: clinical testing. Allele origin: germline.

NM_002206.3(ITGA7):c.1267G>A (p.Ala423Thr)

Gene: ITGA7 (integrin subunit alpha 7; minus strand). Cytogenetic location: 12q13.2.
Variant type: single nucleotide variant.
Coding change: c.1267G>A on transcript NM_002206.3 (MANE Select); coding-DNA position 1267, G replaced by A.
Protein change: p.Ala423Thr; replaces alanine 423 with threonine.
Molecular consequence: missense variant. On other transcripts: 5 prime UTR variant (1).
Genome position (GRCh38, 1-based): chr12:55,697,952, C>T on the plus strand (G>A on the coding strand, the complement: ITGA7 is on the minus strand). VCF-style: chr12-55697952-C-T. GRCh37 (hg19) VCF-style: chr12-56091736-C-T.
Other names: c.1279G>A, p.Ala427Thr (NM_001144996.2, NM_001414029.1); c.988G>A, p.Ala330Thr (NM_001144997.2); c.940G>A, p.Ala314Thr (NM_001367993.1); c.-26G>A (NM_001367994.1); c.1267G>A, p.Ala423Thr (NM_001374465.1, NM_001414034.1); c.1399G>A, p.Ala467Thr (NM_001410977.1); c.1192G>A, p.Ala398Thr (NM_001414030.1); c.1180G>A, p.Ala394Thr (NM_001414031.1); and 3 more; short protein forms A423T, A330T, A314T, A427T, A467T, A310T, A383T, A362T.
Identifiers: ClinVar variation 538004 (VCV000538004.10), dbSNP rs779666592, ClinGen allele CA6616016.